The following is an entry in ClinVar:

ClinVar aggregate classification (germline): Likely benign. Review status: criteria provided, multiple submitters, no conflicts (2 of 4 stars). 2 submissions from 2 submitters: Likely benign (2). Last evaluated 2025-10-20.

Allele frequency attached by ClinVar (database versions not stated): TOPMed 0.00003; gnomAD exomes 0.00012 and 0.00028; gnomAD 0.00013 and 0.00014; ESP Exome Variant Server 0.00023; ExAC 0.00031.
gnomAD v4.1: 198 of 1,609,932 alleles (0.012%); highest among the groups gnomAD compares: Non-Finnish European, 0.0077%; 1 homozygote.

Submissions (2):

Labcorp Genetics (formerly Invitae), Labcorp
Classification: Likely benign. Last evaluated: 2025-10-20. Review status: criteria provided, single submitter. Criteria: Invitae Variant Classification Sherloc (09022015). Collection method: clinical testing. Allele origin: germline.

CeGaT Center for Human Genetics Tuebingen
Classification: Likely benign. Last evaluated: 2022-09-01. Review status: criteria provided, single submitter. Criteria: CeGaT Center For Human Genetics Tuebingen Variant Classification Criteria Version 2. Collection method: clinical testing. Allele origin: germline. Affected: yes. Observed: 1 variant allele.
Comment: LYN: BP4, BP7

NM_002350.4(LYN):c.489A>C (p.Gly163=)

Gene: LYN (LYN proto-oncogene, Src family tyrosine kinase; plus strand). Cytogenetic location: 8q12.1.
Variant type: single nucleotide variant.
Coding change: c.489A>C on transcript NM_002350.4 (MANE Select); coding-DNA position 489, A replaced by C.
Protein change: p.Gly163=; no amino-acid change (glycine 163 retained).
Molecular consequence: synonymous variant.
Genome position (GRCh38, 1-based): chr8:55,951,967, A>C. VCF-style: chr8-55951967-A-C. GRCh37 (hg19) VCF-style: chr8-56864526-A-C.
Other names: c.426A>C, p.Gly142= (NM_001111097.3).
Identifiers: ClinVar variation 1105142 (VCV001105142.34), dbSNP rs145978065, ClinGen allele CA4754053.